The following is an entry in ClinVar:

ClinVar aggregate classification (germline): Benign (1 of 4 stars; one submission).

Allele frequency attached by ClinVar (database versions not stated): 1000 Genomes Project 0.06230; gnomAD 0.05218; TOPMed 0.06079; 1000 Genomes Project 30x 0.06152.
gnomAD v4.1: 8,057 of 152,256 alleles (5.3%); highest among the groups gnomAD compares: African/African-American, 18%; 689 homozygotes.

Submission:

GeneDx
Classification: Benign. Last evaluated: 2018-06-19. Review status: criteria provided, single submitter. Criteria: GeneDx Variant Classification (06012015). Collection method: clinical testing. Allele origin: germline. Affected: yes.
Comment: This variant is considered likely benign or benign based on one or more of the following criteria: it is a conservative change, it occurs at a poorly conserved position in the protein, it is predicted to be benign by multiple in silico algorithms, and/or has population frequency not consistent with disease.

NM_022464.5(SIL1):c.1030-232A>G

Gene: SIL1 (SIL1 nucleotide exchange factor; minus strand). Cytogenetic location: 5q31.2.
Variant type: single nucleotide variant.
Coding change: c.1030-232A>G on transcript NM_022464.5 (MANE Select); 232 bases into the intron before coding-DNA position 1030, A replaced by G.
Molecular consequence: intron variant.
Genome position (GRCh38, 1-based): chr5:138,947,705, T>C on the plus strand (A>G on the coding strand, the complement: SIL1 is on the minus strand). VCF-style: chr5-138947705-T-C. GRCh37 (hg19) VCF-style: chr5-138283394-T-C.
Other names: c.1030-232A>G (NM_001037633.2).
Identifiers: ClinVar variation 673995 (VCV000673995.1), dbSNP rs73790388, ClinGen allele CA128236855.